The following is an entry in ClinVar:

ClinVar aggregate classification (germline): Uncertain significance (1 of 4 stars; one submission).

Submission:

GeneDx
Classification: Uncertain significance. Last evaluated: 2026-03-05. Review status: criteria provided, single submitter. Criteria: GeneDx Variant Classification Process June 2021. Collection method: clinical testing. Allele origin: germline.
Comment: Not observed at significant frequency in large population cohorts (gnomAD); In silico analysis suggests that this missense variant does not alter protein structure/function; Has not been previously published as pathogenic or benign to our knowledge

NM_021120.4(DLG3):c.1760T>C (p.Ile587Thr)

Gene: DLG3 (discs large MAGUK scaffold protein 3; plus strand). Cytogenetic location: Xq13.1.
Variant type: single nucleotide variant.
Coding change: c.1760T>C on transcript NM_021120.4 (MANE Select); coding-DNA position 1760, T replaced by C.
Protein change: p.Ile587Thr; replaces isoleucine 587 with threonine.
Molecular consequence: missense variant.
Genome position (GRCh38, 1-based): chrX:70,492,583, T>C. VCF-style: chrX-70492583-T-C. GRCh37 (hg19) VCF-style: chrX-69712433-T-C.
Other names: c.311T>C, p.Ile104Thr (NM_001166278.2); c.749T>C, p.Ile250Thr (NM_020730.3); short protein forms I104T, I587T, I250T.
Identifiers: ClinVar variation 5008434 (VCV005008434.1).